The following is an entry in ClinVar:

NM_001173467.3(SP7):c.1028G>A (p.Arg343His)

Gene: SP7 (Sp7 transcription factor; minus strand). Cytogenetic location: 12q13.13.
Variant type: single nucleotide variant.
Coding change: c.1028G>A on transcript NM_001173467.3 (MANE Select); coding-DNA position 1028, G replaced by A.
Protein change: p.Arg343His; replaces arginine 343 with histidine.
Molecular consequence: missense variant.
Genome position (GRCh38, 1-based): chr12:53,328,414, C>T on the plus strand (G>A on the coding strand, the complement: SP7 is on the minus strand). VCF-style: chr12-53328414-C-T. GRCh37 (hg19) VCF-style: chr12-53722198-C-T.
Other names: c.974G>A, p.Arg325His (NM_001300837.2); c.1028G>A, p.Arg343His (NM_152860.2); short protein forms R325H, R343H.
Identifiers: ClinVar variation 1376877 (VCV001376877.6), dbSNP rs370051066, ClinGen allele CA237346047.

ClinVar aggregate classification (germline): Uncertain significance (1 of 4 stars; one submission).

Allele frequency attached by ClinVar (database versions not stated): gnomAD exomes below 0.00001; gnomAD 0.00002; ESP Exome Variant Server 0.00008; TOPMed 0.00001.

Submission:

Labcorp Genetics (formerly Invitae), Labcorp
Classification: Uncertain significance. Last evaluated: 2025-10-22. Review status: criteria provided, single submitter. Criteria: Invitae Variant Classification Sherloc (09022015). Collection method: clinical testing. Allele origin: germline.
Comment: This sequence change replaces arginine, which is basic and polar, with histidine, which is basic and polar, at codon 343 of the SP7 protein (p.Arg343His). This variant is present in population databases (rs370051066, gnomAD 0.01%). This variant has not been reported in the literature in individuals affected with SP7-related conditions. ClinVar contains an entry for this variant (Variation ID: 1376877). An algorithm developed to predict the effect of missense changes on protein structure and function (PolyPhen-2) suggests that this variant is likely to be disruptive. In summary, the available evidence is currently insufficient to determine the role of this variant in disease. Therefore, it has been classified as a Variant of Uncertain Significance.